The following is an entry in ClinVar:

NM_001127173.3(CADM3):c.1128G>A (p.Ala376=)

Genes: CADM3 (cell adhesion molecule 3; plus strand), CADM3-AS1 (CADM3 antisense RNA 1; minus strand). Cytogenetic location: 1q23.2.
Variant type: single nucleotide variant.
Coding change: c.1128G>A on transcript NM_001127173.3 (MANE Select); coding-DNA position 1128, G replaced by A.
Protein change: p.Ala376=; no amino-acid change (alanine 376 retained).
Molecular consequence: synonymous variant. On other transcripts: non-coding transcript variant (1).
Genome position (GRCh38, 1-based): chr1:159,200,853, G>A. VCF-style: chr1-159200853-G-A. GRCh37 (hg19) VCF-style: chr1-159170643-G-A.
Other names: c.990G>A, p.Ala330= (NM_001346510.2); c.1230G>A, p.Ala410= (NM_021189.5).
Identifiers: ClinVar variation 4821880 (VCV004821880.4).
Genomic context (GRCh38, chr1:159,200,853, plus strand): 5'-TCTCTACACAGGAACCTACCTGACACATGAGGCAAAAGGCTCCGACGATGCTCCAGACGC[G>A]GACACGGCCATCATCAATGCAGAAGGCGGGCAGTCAGGAGGGGACGACAAGAAGGAATAT-3'
Protein context (NP_001120645.1, residues 366-386): EAKGSDDAPD[Ala376=]DTAIINAEGG

ClinVar aggregate classification (germline): Likely benign (1 of 4 stars; one submission).

gnomAD v4.1: 18 of 1,611,294 alleles (0.0011%); highest among the groups gnomAD compares: East Asian, 0.009%; no homozygotes.

Submission:

CeGaT Center for Human Genetics Tuebingen
Classification: Likely benign. Last evaluated: 2026-01-01. Review status: criteria provided, single submitter. Criteria: CeGaT Center For Human Genetics Tuebingen Variant Classification Criteria Version 2. Collection method: clinical testing. Allele origin: germline. Affected: yes. Observed: 1 variant allele.
Comment: CADM3: BP4, BP7